The following is an entry in ClinVar:

NM_001844.5(COL2A1):c.1107T>A (p.Gly369=)

Gene: COL2A1 (collagen type II alpha 1 chain; minus strand). Cytogenetic location: 12q13.11.
Variant type: single nucleotide variant.
Coding change: c.1107T>A on transcript NM_001844.5 (MANE Select); coding-DNA position 1107, T replaced by A.
Protein change: p.Gly369=; no amino-acid change (glycine 369 retained).
Molecular consequence: synonymous variant.
Genome position (GRCh38, 1-based): chr12:47,989,243, A>T on the plus strand (T>A on the coding strand, the complement: COL2A1 is on the minus strand). VCF-style: chr12-47989243-A-T. GRCh37 (hg19) VCF-style: chr12-48383026-A-T.
Other names: c.900T>A, p.Gly300= (NM_033150.3).
Identifiers: ClinVar variation 512766 (VCV000512766.3), dbSNP rs1555167787, ClinGen allele CA479476296.

ClinVar aggregate classification (germline): Likely benign. Review status: criteria provided, multiple submitters, no conflicts (2 of 4 stars). 2 submissions from 2 submitters: Likely benign (2). Last evaluated 2024-03-28.

Allele frequency attached by ClinVar (database versions not stated): TOPMed below 0.00001; gnomAD exomes 0.00001.
gnomAD v4.1: 18 of 1,612,836 alleles (0.0011%); highest among the groups gnomAD compares: Non-Finnish European, 0.0014%; no homozygotes.

Submissions (2):

Labcorp Genetics (formerly Invitae), Labcorp
Classification: Likely benign. Last evaluated: 2024-03-28. Review status: criteria provided, single submitter. Criteria: Invitae Variant Classification Sherloc (09022015). Collection method: clinical testing. Allele origin: germline.

GeneDx
Classification: Likely benign. Last evaluated: 2017-10-16. Review status: criteria provided, single submitter. Criteria: GeneDx Variant Classification (06012015). Collection method: clinical testing. Allele origin: germline. Affected: yes.
Comment: This variant is considered likely benign or benign based on one or more of the following criteria: it is a conservative change, it occurs at a poorly conserved position in the protein, it is predicted to be benign by multiple in silico algorithms, and/or has population frequency not consistent with disease.